The following is an entry in ClinVar:

NM_001038.6(SCNN1A):c.1485G>T (p.Ser495=)

Gene: SCNN1A (sodium channel epithelial 1 subunit alpha; minus strand). Cytogenetic location: 12p13.31.
Variant type: single nucleotide variant.
Coding change: c.1485G>T on transcript NM_001038.6 (MANE Select); coding-DNA position 1485, G replaced by T.
Protein change: p.Ser495=; no amino-acid change (serine 495 retained).
Molecular consequence: synonymous variant.
Genome position (GRCh38, 1-based): chr12:6,349,176, C>A on the plus strand (G>T on the coding strand, the complement: SCNN1A is on the minus strand). VCF-style: chr12-6349176-C-A. GRCh37 (hg19) VCF-style: chr12-6458342-C-A.
Other names: c.1554G>T, p.Ser518= (NM_001159575.2); c.1662G>T, p.Ser554= (NM_001159576.2).
Identifiers: ClinVar variation 310137 (VCV000310137.19), dbSNP rs3764873, ClinGen allele CA6405832.

ClinVar aggregate classification (germline): Conflicting classifications of pathogenicity. Review status: criteria provided, conflicting classifications (1 of 4 stars). 5 submissions from 4 submitters: Uncertain significance (1); Benign (3); Likely benign (1). Last evaluated 2026-01-29.

Conditions:
Pseudohypoaldosteronism, type IB1, autosomal recessive. Also called: Autosomal recessive pseudohypoaldosteronism type 1; PHA I, AUTOSOMAL RECESSIVE; Pseudohypoaldosteronism, Type I, Autosomal Recessive; Pseudohypoaldosteronism, Type I, Recessive. Identifiers: Orphanet 171876, Orphanet 756, MedGen C5774176, MONDO:0009917, OMIM 264350.
Bronchiectasis with or without elevated sweat chloride 2 (BESC2). Identifiers: Orphanet 60033, MedGen C2751666, MONDO:0013087, OMIM 613021.

Allele frequency attached by ClinVar (database versions not stated): gnomAD 0.00022; ESP Exome Variant Server 0.00038; TOPMed 0.00043; 1000 Genomes Project 30x 0.00344; 1000 Genomes Project 0.00399.
gnomAD v4.1: 1,932 of 1,614,034 alleles (0.12%); highest among the groups gnomAD compares: East Asian, 2.3%; 32 homozygotes.

Submissions (8):

Labcorp Genetics (formerly Invitae), Labcorp
Classification: Benign. Last evaluated: 2026-01-29. Review status: criteria provided, single submitter. Criteria: Invitae Variant Classification Sherloc (09022015). Collection method: clinical testing. Allele origin: germline.

Blueprint Genetics
Classification: Likely benign. Last evaluated: 2024-11-07. Review status: criteria provided, single submitter. Criteria: ACMG Guidelines, 2015. Collection method: clinical testing. Allele origin: germline.

Illumina Laboratory Services, Illumina
Classification: Uncertain significance for Pseudohypoaldosteronism, type IB1, autosomal recessive. Last evaluated: 2018-01-13. Review status: criteria provided, single submitter. Criteria: ICSL Variant Classification Criteria 13 December 2019. Collection method: clinical testing. Allele origin: germline.

Illumina Laboratory Services, Illumina
Classification: Benign for Bronchiectasis with or without elevated sweat chloride 2. Last evaluated: 2018-01-13. Review status: criteria provided, single submitter. Criteria: ICSL Variant Classification Criteria 13 December 2019. Collection method: clinical testing. Allele origin: germline.
Comment: This variant was observed in the ICSL laboratory as part of a predisposition screen in an ostensibly healthy population. It had not been previously curated by ICSL or reported in the Human Gene Mutation Database (HGMD: prior to June 1st, 2018), and was therefore a candidate for classification through an automated scoring system. Utilizing variant allele frequency, disease prevalence and penetrance estimates, and inheritance mode, an automated score was calculated to assess if this variant is too frequent to cause the disease. Based on the score and internal cut-off values, a variant classified as benign is not then subjected to further curation. The score for this variant resulted in a classification of benign for this disease.

Laboratory for Molecular Medicine, Mass General Brigham Personalized Medicine
Classification: Benign. Last evaluated: 2013-02-21. Review status: criteria provided, single submitter. Criteria: LMM Criteria. Collection method: clinical testing. Allele origin: germline. Observed: 1 variant allele.
Comment: Ser554Ser in exon 9 of SCNN1A: This variant is not expected to have clinical sig nificance because it does not alter an amino acid residue and is not located wit hin the splice consensus sequence. It has been identified in 6.2% (11/178) of Ja panese chromosomes from a broad population by the 1000 Genomes Project (dbSNP rs3764873).

Dr. Peter K. Rogan Lab, Western University
No classification provided (evidence only). Condition: Thyroid cancer, nonmedullary, 1. Review status: no classification provided. Collection method: in vitro. Allele origin: not applicable. Functional consequence: retained intron. Not counted in ClinVar's aggregate classification.

Dr. Peter K. Rogan Lab, Western University
No classification provided (evidence only). Condition: Cervical cancer. Review status: no classification provided. Collection method: in vitro. Allele origin: not applicable. Functional consequence: retained intron. Not counted in ClinVar's aggregate classification.

Dr. Peter K. Rogan Lab, Western University
No classification provided (evidence only). Condition: Gastric cancer. Review status: no classification provided. Collection method: in vitro. Allele origin: not applicable. Functional consequence: retained intron. Not counted in ClinVar's aggregate classification.